The following is an entry in ClinVar:

ClinVar aggregate classification (germline): Uncertain significance (1 of 4 stars; one submission).

Conditions:
Chuvash polycythemia. Also called: POLYCYTHEMIA, VHL-DEPENDENT. Identifiers: Orphanet 238557, MedGen C1837915, MONDO:0009892, OMIM 263400.
Von Hippel-Lindau syndrome (VHLS). Also called: von Hippel–Lindau syndrome; VHL syndrome; Von Hippel-Lindau. Identifiers: Orphanet 892, MedGen C0019562, MONDO:0008667, OMIM 193300. Disease mechanism: loss of function.

gnomAD v4.1: 1 of 1,533,758 alleles (0.000065%); highest among the groups gnomAD compares: Non-Finnish European, 0.000088%; no homozygotes.

Submission:

Labcorp Genetics (formerly Invitae), Labcorp
Classification: Uncertain significance for Von Hippel-Lindau syndrome; Chuvash polycythemia. Last evaluated: 2025-07-14. Review status: criteria provided, single submitter. Criteria: Invitae Variant Classification Sherloc (09022015). Collection method: clinical testing. Allele origin: germline.
Comment: This variant occurs in a non-coding region of the VHL gene. It does not change the encoded amino acid sequence of the VHL protein. This variant is not present in population databases (gnomAD no frequency). This variant has not been reported in the literature in individuals affected with VHL-related conditions. Experimental studies and prediction algorithms are not available or were not evaluated, and the functional significance of this variant is currently unknown. In summary, the available evidence is currently insufficient to determine the role of this variant in disease. Therefore, it has been classified as a Variant of Uncertain Significance.

NM_000551.4(VHL):c.-55G>T

Gene: VHL (von Hippel-Lindau tumor suppressor; plus strand). Cytogenetic location: 3p25.3.
Variant type: single nucleotide variant.
Coding change: c.-55G>T on transcript NM_000551.4 (MANE Select); 55 bases upstream of the start codon, G replaced by T.
Molecular consequence: 5 prime UTR variant. On other transcripts: non-coding transcript variant (1).
Genome position (GRCh38, 1-based): chr3:10,141,793, G>T. VCF-style: chr3-10141793-G-T. GRCh37 (hg19) VCF-style: chr3-10183477-G-T.
Other names: c.-55G>T (NM_001354723.2, NM_198156.3).
Identifiers: ClinVar variation 4794622 (VCV004794622.1).
Genomic context (GRCh38, chr3:10,141,793, plus strand): 5'-CCGAGCGCGCGCGAAGACTACGGAGGTCGACTCGGGAGCGCGCACGCAGCTCCGCCCCGC[G>T]TCCGACCCGCGGATCCCGCGGCGTCCGGCCCGGGTGGTCTGGATCGCGGAGGGAATGCCC-3'